The following is an entry in ClinVar:

ClinVar aggregate classification (germline): Pathogenic (1 of 4 stars; one submission).

Submission:

Labcorp Genetics (formerly Invitae), Labcorp
Classification: Pathogenic. Last evaluated: 2023-04-15. Review status: criteria provided, single submitter. Criteria: Invitae Variant Classification Sherloc (09022015). Collection method: clinical testing. Allele origin: germline.
Comment: Algorithms developed to predict the effect of sequence changes on RNA splicing suggest that this variant may disrupt the consensus splice site. For these reasons, this variant has been classified as Pathogenic. This variant has not been reported in the literature in individuals affected with ADGRG1-related conditions. This sequence change creates a premature translational stop signal (p.Asp301Thrfs*22) in the ADGRG1 gene. It is expected to result in an absent or disrupted protein product. Loss-of-function variants in ADGRG1 are known to be pathogenic (PMID: 15044805, 20929962). This variant is not present in population databases (gnomAD no frequency).

Literature cited by the submitters: PubMed 15044805; PubMed 20929962.

NC_000016.10:g.57655876del

Gene: ADGRG1 (adhesion G protein-coupled receptor G1; plus strand). Cytogenetic location: 16q21.
Variant type: Deletion.
Genome position: GRCh38 VCF-style: chr16-57655874-AG-A. GRCh37 (hg19) VCF-style: chr16-57689786-AG-A.
Identifiers: ClinVar variation 2800562 (VCV002800562.3), dbSNP rs2545335507, ClinGen allele CA2739265518.
Genomic context (GRCh38, chr16:57,655,874, plus strand): 5'-GGGCCCTTCTTCTCAGTCCTGAACTCCCTCCCTACTCTCTTCCTCCAACCCCATGTATCT[AG>A]GACAAGAATTCCAGCCAAGTCCTGGGTGAGAAGGTCTTGGGGATTGTGGTACAGAACACC-3'